The following is an entry in ClinVar:

ClinVar aggregate classification (germline): Uncertain significance (1 of 4 stars; one submission).

Allele frequency attached by ClinVar (database versions not stated): 1000 Genomes Project 30x 0.00031; 1000 Genomes Project 0.00040; TOPMed 0.00045; ESP Exome Variant Server 0.00054; gnomAD 0.00056; ExAC 0.00068.
gnomAD v4.1: 1,062 of 1,506,668 alleles (0.07%); highest among the groups gnomAD compares: Non-Finnish European, 0.086%; 1 homozygote.

Submissions (4):

Labcorp Genetics (formerly Invitae), Labcorp
Classification: Uncertain significance. Last evaluated: 2023-11-12. Review status: criteria provided, single submitter. Criteria: Invitae Variant Classification Sherloc (09022015). Collection method: clinical testing. Allele origin: germline.
Comment: This sequence change replaces arginine, which is basic and polar, with tryptophan, which is neutral and slightly polar, at codon 1704 of the LAMA5 protein (p.Arg1704Trp). This variant is present in population databases (rs138627467, gnomAD 0.07%). This variant has not been reported in the literature in individuals affected with LAMA5-related conditions. ClinVar contains an entry for this variant (Variation ID: 2038558). An algorithm developed to predict the effect of missense changes on protein structure and function (PolyPhen-2) suggests that this variant is likely to be disruptive. In summary, the available evidence is currently insufficient to determine the role of this variant in disease. Therefore, it has been classified as a Variant of Uncertain Significance.

Dr. Peter K. Rogan Lab, Western University
No classification provided (evidence only). Condition: Sarcoma. Review status: no classification provided. Collection method: in vitro. Allele origin: not applicable. Functional consequence: retained intron. Not counted in ClinVar's aggregate classification.

Dr. Peter K. Rogan Lab, Western University
No classification provided (evidence only). Condition: Ovarian serous cystadenocarcinoma. Review status: no classification provided. Collection method: in vitro. Allele origin: not applicable. Functional consequence: retained intron. Not counted in ClinVar's aggregate classification.

Dr. Peter K. Rogan Lab, Western University
No classification provided (evidence only). Condition: Malignant tumor of esophagus. Review status: no classification provided. Collection method: in vitro. Allele origin: not applicable. Functional consequence: retained intron. Not counted in ClinVar's aggregate classification.

NM_005560.6(LAMA5):c.5110C>T (p.Arg1704Trp)

Gene: LAMA5 (laminin subunit alpha 5; minus strand). Cytogenetic location: 20q13.33.
Variant type: single nucleotide variant.
Coding change: c.5110C>T on transcript NM_005560.6 (MANE Select); coding-DNA position 5110, C replaced by T.
Protein change: p.Arg1704Trp; replaces arginine 1704 with tryptophan.
Molecular consequence: missense variant.
Genome position (GRCh38, 1-based): chr20:62,327,235, G>A on the plus strand (C>T on the coding strand, the complement: LAMA5 is on the minus strand). VCF-style: chr20-62327235-G-A. GRCh37 (hg19) VCF-style: chr20-60902291-G-A.
Other names: short protein forms R1704W.
Identifiers: ClinVar variation 2038558 (VCV002038558.3), dbSNP rs138627467, ClinGen allele CA9942350.
Genomic context (GRCh38, chr20:62,327,235, plus strand): 5'-CTCTCAGGCGTCCTGGCCATCCTCAAAGTGCCTCCCCCAGACCTGATGCCCTGCTTACCC[G>A]GTCCCCCAGGTAGGAGGGTGGGGCCTGCCAGTACAGCTCGGGGAAAGCCTCGGGCACAGC-3'
Protein context (NP_005551.3, residues 1694-1714): WQAPPSYLGD[Arg1704Trp]VSSYGGTLRY